The following is an entry in ClinVar:

ClinVar aggregate classification (germline): Benign/Likely benign. Review status: criteria provided, multiple submitters, no conflicts (2 of 4 stars). 6 submissions from 4 submitters: Benign (5); Likely benign (1). Last evaluated 2026-01-15.

Conditions:
Hyperinsulinism due to INSR deficiency. Also called: Hyperinsulinism due to glutamodehydrogenase deficiency. Identifiers: Orphanet 263458, MedGen C1864952, MONDO:0012381, OMIM 609968.
Leprechaunism syndrome. Also called: LEPRECHAUNISM; Donohue syndrome. Identifiers: Orphanet 508, MedGen C0265344, MONDO:0009517, OMIM 246200.
Rabson-Mendenhall syndrome. Also called: Pineal Hyperplasia, Insulin-Resistant Diabetes Mellitus, and Somatic Abnormalities; Pineal hyperplasia AND diabetes mellitus syndrome; MENDENHALL SYNDROME. Identifiers: Orphanet 769, MedGen C0271695, MONDO:0009874, OMIM 262190.
Insulin-resistant diabetes mellitus AND acanthosis nigricans. Also called: Insulin-resistance syndrome type A; type A insulin resistance; DIABETES MELLITUS, INSULIN-RESISTANT, WITH ACANTHOSIS NIGRICANS, TYPE A; INSULIN RECEPTOR, DEFECT IN, WITH INSULIN-RESISTANT DIABETES MELLITUS AND ACANTHOSIS NIGRICANS; IRAN, TYPE A. Identifiers: Orphanet 2297, MedGen C0342278, MONDO:0012520, OMIM 610549.

Allele frequency attached by ClinVar (database versions not stated): gnomAD exomes 0.00100 and 0.00258; ExAC 0.00314; gnomAD 0.00971 and 0.01045; TOPMed 0.01107; 1000 Genomes Project 0.01138; ESP Exome Variant Server 0.01161; 1000 Genomes Project 30x 0.01171.
gnomAD v4.1: 3,025 of 1,613,916 alleles (0.19%); highest among the groups gnomAD compares: African/African-American, 3.6%; 46 homozygotes.

Submissions (6):

Labcorp Genetics (formerly Invitae), Labcorp
Classification: Benign. Last evaluated: 2026-01-15. Review status: criteria provided, single submitter. Criteria: Invitae Variant Classification Sherloc (09022015). Collection method: clinical testing. Allele origin: germline.

Illumina Laboratory Services, Illumina
Classification: Benign for Rabson-Mendenhall syndrome. Last evaluated: 2018-01-13. Review status: criteria provided, single submitter. Criteria: ICSL Variant Classification Criteria 13 December 2019. Collection method: clinical testing. Allele origin: germline.
Comment: This variant was observed in the ICSL laboratory as part of a predisposition screen in an ostensibly healthy population. It had not been previously curated by ICSL or reported in the Human Gene Mutation Database (HGMD: prior to June 1st, 2018), and was therefore a candidate for classification through an automated scoring system. Utilizing variant allele frequency, disease prevalence and penetrance estimates, and inheritance mode, an automated score was calculated to assess if this variant is too frequent to cause the disease. Based on the score and internal cut-off values, a variant classified as benign is not then subjected to further curation. The score for this variant resulted in a classification of benign for this disease.

Illumina Laboratory Services, Illumina
Classification: Benign for Leprechaunism syndrome. Last evaluated: 2018-01-13. Review status: criteria provided, single submitter. Criteria: ICSL Variant Classification Criteria 13 December 2019. Collection method: clinical testing. Allele origin: germline.
Comment: the same text as in the submission from Illumina Laboratory Services, Illumina above.

Illumina Laboratory Services, Illumina
Classification: Benign for Insulin-resistant diabetes mellitus AND acanthosis nigricans. Last evaluated: 2018-01-13. Review status: criteria provided, single submitter. Criteria: ICSL Variant Classification Criteria 13 December 2019. Collection method: clinical testing. Allele origin: germline.
Comment: the same text as in the submission from Illumina Laboratory Services, Illumina above.

Breakthrough Genomics
Classification: Benign. Review status: criteria provided, single submitter. Criteria: ACMG Guidelines, 2015. Collection method: not provided. Allele origin: germline. Inheritance: Autosomal recessive inheritance. Affected: yes.

Clinical Genomics, Uppaluri K&H Personalized Medicine Clinic
Classification: Likely benign for Hyperinsulinism due to INSR deficiency. Review status: criteria provided, single submitter. Criteria: K And H Uppaluri Personalized Medicine Clinic Variant Classification And Assertion Criteria Updated V 2. Collection method: research. Allele origin: unknown. Inheritance: Autosomal dominant inheritance.
Comment: Potent mutations in INSR gene can lead to insulin resistance, which presents as impaired glucose tolerance, early onset type 2 diabetes, post prandial hyperglycemia and increased insulin requirement in type 1 diabetes. These mutations in INSR gene can also predispose to coronary artery disease, metabolic syndrome, polycystic ovarian disease and non alcoholic fatty liver disease.However, the role of this particular variant rs36081066 with early onset diabetes mellitus is yet to be ascertained.

Literature cited by the submitters: PubMed 35000900 (cited by Clinical Genomics, Uppaluri K&H Personalized Medicine Clinic); PubMed 31989990 (cited by Clinical Genomics, Uppaluri K&H Personalized Medicine Clinic); PubMed 23705494 (cited by Clinical Genomics, Uppaluri K&H Personalized Medicine Clinic).

NM_000208.4(INSR):c.1989G>A (p.Ala663=)

Gene: INSR (insulin receptor; minus strand). Cytogenetic location: 19p13.2.
Variant type: single nucleotide variant.
Coding change: c.1989G>A on transcript NM_000208.4 (MANE Select); coding-DNA position 1989, G replaced by A.
Protein change: p.Ala663=; no amino-acid change (alanine 663 retained).
Molecular consequence: synonymous variant.
Genome position (GRCh38, 1-based): chr19:7,163,072, C>T on the plus strand (G>A on the coding strand, the complement: INSR is on the minus strand). VCF-style: chr19-7163072-C-T. GRCh37 (hg19) VCF-style: chr19-7163083-C-T.
Other names: c.1989G>A, p.Ala663= (NM_001079817.3).
Identifiers: ClinVar variation 780507 (VCV000780507.14), dbSNP rs36081066, ClinGen allele CA9135707.